The following is an entry in ClinVar:

ClinVar aggregate classification (germline): Uncertain significance (1 of 4 stars; one submission).

Conditions:
Hereditary cancer-predisposing syndrome. Also called: Neoplastic Syndromes, Hereditary; Tumor predisposition; Hereditary Cancer Syndrome; Hereditary neoplastic syndrome. Identifiers: Orphanet 140162, MedGen C0027672, MeSH D009386, MONDO:0015356.

Submission:

Ambry Genetics
Classification: Uncertain significance for Hereditary cancer-predisposing syndrome. Last evaluated: 2025-08-12. Review status: criteria provided, single submitter. Criteria: Ambry Variant Classification Scheme 2023. Collection method: clinical testing. Allele origin: germline.
Comment: The p.E59V variant (also known as c.176A>T), located in coding exon 2 of the BARD1 gene, results from an A to T substitution at nucleotide position 176. The glutamic acid at codon 59 is replaced by valine, an amino acid with dissimilar properties. This amino acid position is conserved. In addition, the in silico prediction for this alteration is inconclusive. Based on the available evidence, the clinical significance of this variant remains unclear.

NM_000465.4(BARD1):c.176A>T (p.Glu59Val)

Gene: BARD1 (BRCA1 associated RING domain 1; minus strand). Cytogenetic location: 2q35.
Variant type: single nucleotide variant.
Coding change: c.176A>T on transcript NM_000465.4 (MANE Select); coding-DNA position 176, A replaced by T.
Protein change: p.Glu59Val; replaces glutamic acid 59 with valine.
Molecular consequence: missense variant. On other transcripts: intron variant (2), non-coding transcript variant (2).
Genome position (GRCh38, 1-based): chr2:214,797,100, T>A on the plus strand (A>T on the coding strand, the complement: BARD1 is on the minus strand). VCF-style: chr2-214797100-T-A. GRCh37 (hg19) VCF-style: chr2-215661824-T-A.
Other names: c.176A>T, p.Glu59Val (NM_001282545.2, NM_001282549.2); c.159-4655A>T (NM_001282543.2); c.158+12312A>T (NM_001282548.2); short protein forms E59V.
Identifiers: ClinVar variation 4196267 (VCV004196267.1).